The following is an entry in ClinVar:

ClinVar aggregate classification (germline): Uncertain significance (1 of 4 stars; one submission).

Submission:

GeneDx
Classification: Uncertain significance. Last evaluated: 2026-03-31. Review status: criteria provided, single submitter. Criteria: GeneDx Variant Classification Process June 2021. Collection method: clinical testing. Allele origin: germline.
Comment: Not observed at significant frequency in large population cohorts (gnomAD); In silico analysis supports that this missense variant has a deleterious effect on protein structure/function; Has not been previously published as pathogenic or benign to our knowledge

NM_005097.4(LGI1):c.823T>C (p.Tyr275His)

Gene: LGI1 (leucine rich glioma inactivated 1; plus strand). Cytogenetic location: 10q23.33.
Variant type: single nucleotide variant.
Coding change: c.823T>C on transcript NM_005097.4 (MANE Select); coding-DNA position 823, T replaced by C.
Protein change: p.Tyr275His; replaces tyrosine 275 with histidine.
Molecular consequence: missense variant. On other transcripts: non-coding transcript variant (1).
Genome position (GRCh38, 1-based): chr10:93,793,335, T>C. VCF-style: chr10-93793335-T-C. GRCh37 (hg19) VCF-style: chr10-95553092-T-C.
Other names: c.823T>C, p.Tyr275His (NM_001308275.2); c.679T>C, p.Tyr227His (NM_001308276.2); short protein forms Y227H, Y275H.
Identifiers: ClinVar variation 5017943 (VCV005017943.1).